The following is an entry in ClinVar:

ClinVar aggregate classification (germline): Likely pathogenic (1 of 4 stars; one submission).

Conditions:
Polycystic kidney disease 4 (PKD4). Also called: POLYCYSTIC KIDNEY AND HEPATIC DISEASE 1; POLYCYSTIC KIDNEY DISEASE, INFANTILE, TYPE I; POLYCYSTIC KIDNEY DISEASE 4 WITH OR WITHOUT POLYCYSTIC LIVER DISEASE; PKD3; Autosomal Recessive Polycystic Kidney Disease – PKHD1. Identifiers: MedGen C4540575, MONDO:0033004, OMIM 263200.

Submission:

Myriad Genetics, Inc.
Classification: Likely pathogenic for Polycystic kidney disease 4. Last evaluated: 2022-05-21. Review status: criteria provided, single submitter. Criteria: Myriad Women's Health Autosomal Recessive and X-Linked Classification Criteria (2021). Collection method: clinical testing. Allele origin: unknown.
Comment: NM_138694.3(PKHD1):c.8089_8090delAG(R2697Afs*9) is expected to be pathogenic in the context of autosomal recessive polycystic kidney disease, PKHD1-related. This variant is predicted to lead to an abnormal or absent protein product due to the creation of a premature termination codon in PKHD1, a gene where loss-of-function variants are known to be pathogenic. Please note: this variant was assessed in the context of healthy population screening.

NM_138694.4(PKHD1):c.8089_8090del (p.Arg2697fs)

Gene: PKHD1 (PKHD1 ciliary IPT domain containing fibrocystin/polyductin; minus strand). Cytogenetic location: 6p12.2.
Variant type: Deletion.
Coding change: c.8089_8090del on transcript NM_138694.4 (MANE Select); coding-DNA positions 8089 to 8090, 2 bases deleted (AG; older notation c.8089_8090delAG).
Protein change: p.Arg2697fs; shifts the reading frame from arginine 2697.
Molecular consequence: frameshift variant.
Genome position (GRCh38, 1-based): chr6:51,847,792-51,847,793, CT deleted on the plus strand (AG on the coding strand, the reverse complement: PKHD1 is on the minus strand); deleting any 2 consecutive bases within chr6:51,847,792-51,847,794 gives the same sequence; the c. name uses the placement nearest the transcript's 3' end. VCF-style (leftmost placement, unchanged base first): chr6-51847791-CCT-C. GRCh37 (hg19) VCF-style: chr6-51712589-CCT-C.
Other names: c.8089_8090del, p.Arg2697fs (NM_170724.3); short protein forms R2697fs.
Identifiers: ClinVar variation 1726194 (VCV001726194.2), dbSNP rs2535683148, ClinGen allele CA2580075430.